The following is an entry in ClinVar:

ClinVar aggregate classification (germline): Uncertain significance (1 of 4 stars; one submission).

gnomAD v4.1: 1 of 1,411,758 alleles (0.000071%); highest among the groups gnomAD compares: Non-Finnish European, 0.000093%; no homozygotes.

Submission:

Labcorp Genetics (formerly Invitae), Labcorp
Classification: Uncertain significance. Last evaluated: 2021-07-19. Review status: criteria provided, single submitter. Criteria: Invitae Variant Classification Sherloc (09022015). Collection method: clinical testing. Allele origin: germline.
Comment: This sequence change replaces glycine with tryptophan at codon 157 of the GATA5 protein (p.Gly157Trp). The glycine residue is highly conserved and there is a large physicochemical difference between glycine and tryptophan. The frequency data for this variant in the population databases is considered unreliable, as metrics indicate insufficient coverage at this position in the ExAC database. This variant has not been reported in the literature in individuals with GATA5-related conditions. Algorithms developed to predict the effect of missense changes on protein structure and function are either unavailable or do not agree on the potential impact of this missense change (SIFT: "Deleterious"; PolyPhen-2: "Probably Damaging"; Align-GVGD: "Class C0"). In summary, the available evidence is currently insufficient to determine the role of this variant in disease. Therefore, it has been classified as a Variant of Uncertain Significance.

NM_080473.5(GATA5):c.469G>T (p.Gly157Trp)

Gene: GATA5 (GATA binding protein 5; minus strand). Cytogenetic location: 20q13.33.
Variant type: single nucleotide variant.
Coding change: c.469G>T on transcript NM_080473.5 (MANE Select); coding-DNA position 469, G replaced by T.
Protein change: p.Gly157Trp; replaces glycine 157 with tryptophan.
Molecular consequence: missense variant.
Genome position (GRCh38, 1-based): chr20:62,475,053, C>A on the plus strand (G>T on the coding strand, the complement: GATA5 is on the minus strand). VCF-style: chr20-62475053-C-A. GRCh37 (hg19) VCF-style: chr20-61050109-C-A.
Other names: short protein forms G157W.
Identifiers: ClinVar variation 1383667 (VCV001383667.8), dbSNP rs782571269, ClinGen allele CA409556299.